The following is an entry in ClinVar:

NM_016239.4(MYO15A):c.9304-15C>T

Gene: MYO15A (myosin XVA; plus strand). Cytogenetic location: 17p11.2.
Variant type: single nucleotide variant.
Coding change: c.9304-15C>T on transcript NM_016239.4 (MANE Select); 15 bases into the intron before coding-DNA position 9304, C replaced by T.
Molecular consequence: intron variant.
Genome position (GRCh38, 1-based): chr17:18,159,920, C>T. VCF-style: chr17-18159920-C-T. GRCh37 (hg19) VCF-style: chr17-18063234-C-T.
Identifiers: ClinVar variation 505353 (VCV000505353.7), dbSNP rs753539094, ClinGen allele CA8425500.

ClinVar aggregate classification (germline): Likely benign. Review status: criteria provided, multiple submitters, no conflicts (2 of 4 stars). 2 submissions from 2 submitters: Likely benign (2). Last evaluated 2025-03-27.

Allele frequency attached by ClinVar (database versions not stated): ExAC 0.00001; gnomAD exomes 0.00001 and 0.00002; TOPMed 0.00003; gnomAD 0.00004 and 0.00005.
gnomAD v4.1: 12 of 1,613,598 alleles (0.00074%); highest among the groups gnomAD compares: African/African-American, 0.004%; no homozygotes.

Submissions (2):

Labcorp Genetics (formerly Invitae), Labcorp
Classification: Likely benign. Last evaluated: 2025-03-27. Review status: criteria provided, single submitter. Criteria: Invitae Variant Classification Sherloc (09022015). Collection method: clinical testing. Allele origin: germline.

Laboratory for Molecular Medicine, Mass General Brigham Personalized Medicine
Classification: Likely benign. Last evaluated: 2016-11-10. Review status: criteria provided, single submitter. Criteria: LMM Criteria. Collection method: clinical testing. Allele origin: germline. Observed: 1 variant allele.
Comment: c.9304-15C>T in intron 55 of MYO15A: This variant is not expected to have clinic al significance because a C>T change at this position does not diverge from the splice consensus sequence and is therefore unlikely to impact splicing. It has b een identified in 1/8596 African chromosomes by the Exome Aggregation Consortium (ExAC; dbSNP rs753539094).